The following is an entry in ClinVar:

NM_182961.4(SYNE1):c.7870C>G (p.Gln2624Glu)

Gene: SYNE1 (spectrin repeat containing nuclear envelope protein 1; minus strand). Cytogenetic location: 6q25.2.
Variant type: single nucleotide variant.
Coding change: c.7870C>G on transcript NM_182961.4 (MANE Select); coding-DNA position 7870, C replaced by G.
Protein change: p.Gln2624Glu; replaces glutamine 2624 with glutamic acid.
Molecular consequence: missense variant.
Genome position (GRCh38, 1-based): chr6:152,391,411, G>C on the plus strand (C>G on the coding strand, the complement: SYNE1 is on the minus strand). VCF-style: chr6-152391411-G-C. GRCh37 (hg19) VCF-style: chr6-152712546-G-C.
Other names: c.7891C>G, p.Gln2631Glu (NM_033071.5); short protein forms Q2624E, Q2631E.
Identifiers: ClinVar variation 2150929 (VCV002150929.4), dbSNP rs1412183127, ClinGen allele CA366108987.

ClinVar aggregate classification (germline): Uncertain significance (1 of 4 stars; one submission).

Conditions:
Autosomal recessive ataxia, Beauce type. Also called: SYNE1-Related Autosomal Recessive Cerebellar Ataxia; Spinocerebellar ataxia, autosomal recessive 8; ATAXIA, RECESSIVE, OF BEAUCE; SYNE1 Deficiency. Identifiers: Orphanet 88644, MedGen C1853116, MONDO:0012549, OMIM 610743.
Emery-Dreifuss muscular dystrophy 4, autosomal dominant (EDMD4). Also called: EMERY-DREIFUSS MUSCULAR DYSTROPHY 4 WITH VARIABLE FEATURES. Identifiers: Orphanet 261, MedGen C2751807, MONDO:0013071, OMIM 612998.

gnomAD v4.1: 1 of 1,613,918 alleles (0.000062%); highest among the groups gnomAD compares: Non-Finnish European, 0.000085%; no homozygotes.

Submission:

Labcorp Genetics (formerly Invitae), Labcorp
Classification: Uncertain significance for Emery-Dreifuss muscular dystrophy 4, autosomal dominant; Autosomal recessive ataxia, Beauce type. Last evaluated: 2022-07-23. Review status: criteria provided, single submitter. Criteria: Invitae Variant Classification Sherloc (09022015). Collection method: clinical testing. Allele origin: germline.
Comment: In summary, the available evidence is currently insufficient to determine the role of this variant in disease. Therefore, it has been classified as a Variant of Uncertain Significance. Algorithms developed to predict the effect of missense changes on protein structure and function are either unavailable or do not agree on the potential impact of this missense change (SIFT: "Deleterious"; PolyPhen-2: "Benign"; Align-GVGD: "Class C0"). This variant has not been reported in the literature in individuals affected with SYNE1-related conditions. This variant is present in population databases (no rsID available, gnomAD 0.0009%). This sequence change replaces glutamine, which is neutral and polar, with glutamic acid, which is acidic and polar, at codon 2631 of the SYNE1 protein (p.Gln2631Glu).